The following is an entry in ClinVar:

NM_032444.4(SLX4):c.661C>T (p.Pro221Ser)

Gene: SLX4 (SLX4 structure-specific endonuclease subunit; minus strand). Cytogenetic location: 16p13.3.
Variant type: single nucleotide variant.
Coding change: c.661C>T on transcript NM_032444.4 (MANE Select); coding-DNA position 661, C replaced by T.
Protein change: p.Pro221Ser; replaces proline 221 with serine.
Molecular consequence: missense variant.
Genome position (GRCh38, 1-based): chr16:3,606,573, G>A on the plus strand (C>T on the coding strand, the complement: SLX4 is on the minus strand). VCF-style: chr16-3606573-G-A. GRCh37 (hg19) VCF-style: chr16-3656574-G-A.
Other names: short protein forms P221S.
Identifiers: ClinVar variation 1495388 (VCV001495388.5), dbSNP rs2040785784, ClinGen allele CA394533290.

ClinVar aggregate classification (germline): Uncertain significance (1 of 4 stars; one submission).

Conditions:
Fanconi anemia (FA). Also called: Fanconi's anemia. Identifiers: Orphanet 84, MedGen C0015625, MeSH D005199, MONDO:0019391.

Allele frequency attached by ClinVar (database versions not stated): TOPMed below 0.00001.

Submission:

Labcorp Genetics (formerly Invitae), Labcorp
Classification: Uncertain significance for Fanconi anemia. Last evaluated: 2021-10-31. Review status: criteria provided, single submitter. Criteria: Invitae Variant Classification Sherloc (09022015). Collection method: clinical testing. Allele origin: germline.
Comment: This variant is not present in population databases (gnomAD no frequency). This variant has not been reported in the literature in individuals affected with SLX4-related conditions. Algorithms developed to predict the effect of missense changes on protein structure and function are either unavailable or do not agree on the potential impact of this missense change (SIFT: "Deleterious"; PolyPhen-2: "Probably Damaging"; Align-GVGD: "Class C0"). In summary, the available evidence is currently insufficient to determine the role of this variant in disease. Therefore, it has been classified as a Variant of Uncertain Significance. This sequence change replaces proline, which is neutral and non-polar, with serine, which is neutral and polar, at codon 221 of the SLX4 protein (p.Pro221Ser).